The following is an entry in ClinVar:

NM_004304.5(ALK):c.1292C>T (p.Pro431Leu)

Gene: ALK (ALK receptor tyrosine kinase; minus strand). Cytogenetic location: 2p23.2.
Variant type: single nucleotide variant.
Coding change: c.1292C>T on transcript NM_004304.5 (MANE Select); coding-DNA position 1292, C replaced by T.
Protein change: p.Pro431Leu; replaces proline 431 with leucine.
Molecular consequence: missense variant.
Genome position (GRCh38, 1-based): chr2:29,328,472, G>A on the plus strand (C>T on the coding strand, the complement: ALK is on the minus strand). VCF-style: chr2-29328472-G-A. GRCh37 (hg19) VCF-style: chr2-29551338-G-A.
Other names: short protein forms P431L.
Identifiers: ClinVar variation 3223790 (VCV003223790.1), dbSNP rs1667341326, ClinGen allele CA346474582.
Genomic context (GRCh38, chr2:29,328,472, plus strand): 5'-AGCTGGAGGACTGTCCCATTCCAACAAGTGAAGGAGCTCTGCAGGGCCATCTTGGAGCCT[G>A]GGGATGTTCCTGGAGAGCACACAGACACACAACCATGGTAAGTTTGCATGGCCCCAGGCA-3'
Protein context (NP_004295.2, residues 421-441): ALKNCSEGTS[Pro431Leu]GSKMALQSSF

ClinVar aggregate classification (germline): Uncertain significance (1 of 4 stars; one submission).

Conditions:
Hereditary cancer-predisposing syndrome. Also called: Tumor predisposition; Hereditary neoplastic syndrome; Hereditary Cancer Syndrome; Neoplastic Syndromes, Hereditary. Identifiers: Orphanet 140162, MedGen C0027672, MeSH D009386, MONDO:0015356.

gnomAD v4.1: 3 of 1,614,164 alleles (0.00019%); highest among the groups gnomAD compares: Non-Finnish European, 0.00025%; no homozygotes.

Submission:

Ambry Genetics
Classification: Uncertain significance for Hereditary cancer-predisposing syndrome. Last evaluated: 2024-02-25. Review status: criteria provided, single submitter. Criteria: Ambry Variant Classification Scheme 2023. Collection method: clinical testing. Allele origin: germline.
Comment: The p.P431L variant (also known as c.1292C>T), located in coding exon 6 of the ALK gene, results from a C to T substitution at nucleotide position 1292. The proline at codon 431 is replaced by leucine, an amino acid with similar properties. This amino acid position is conserved. In addition, this alteration is predicted to be tolerated by in silico analysis. Based on the available evidence, the clinical significance of this alteration remains unclear.